The following is an entry in ClinVar:

ClinVar aggregate classification (germline): Uncertain significance (1 of 4 stars; one submission).

Submission:

Women's Health and Genetics/Laboratory Corporation of America, LabCorp
Classification: Uncertain significance. Last evaluated: 2022-06-23. Review status: criteria provided, single submitter. Criteria: LabCorp Variant Classification Summary - May 2015. Collection method: clinical testing. Allele origin: germline.
Comment: Variant summary: HIVEP2 c.227T>C (p.Val76Ala) results in a non-conservative amino acid change in the encoded protein sequence. Four of five in-silico tools predict a benign effect of the variant on protein function. The variant was absent in 249574 control chromosomes (gnomAD). The available data on variant occurrences in the general population are insufficient to allow any conclusion about variant significance. To our knowledge, no occurrence of c.227T>C in individuals affected with Intellectual Disability, Autosomal Dominant 43 and no experimental evidence demonstrating its impact on protein function have been reported. No clinical diagnostic laboratories have submitted clinical-significance assessments for this variant to ClinVar after 2014. Based on the evidence outlined above, the variant was classified as uncertain significance.

NM_006734.4(HIVEP2):c.227T>C (p.Val76Ala)

Gene: HIVEP2 (HIVEP zinc finger 2; minus strand). Cytogenetic location: 6q24.2.
Variant type: single nucleotide variant.
Coding change: c.227T>C on transcript NM_006734.4 (MANE Select); coding-DNA position 227, T replaced by C.
Protein change: p.Val76Ala; replaces valine 76 with alanine.
Molecular consequence: missense variant.
Genome position (GRCh38, 1-based): chr6:142,774,512, A>G on the plus strand (T>C on the coding strand, the complement: HIVEP2 is on the minus strand). VCF-style: chr6-142774512-A-G. GRCh37 (hg19) VCF-style: chr6-143095649-A-G.
Other names: short protein forms V76A.
Identifiers: ClinVar variation 1698625 (VCV001698625.1), dbSNP rs2114665769, ClinGen allele CA365916516.
Genomic context (GRCh38, chr6:142,774,512, plus strand): 5'-TGTTGGCATGAGTAAGGACTCGGACGATGCGGTGGATATTGCTTCTCTGCGACTTGCTGC[A>G]CCACTTCACTAGGGGAGGCCAGTTTCCCAGAACCAAACAGTTGTGCTGATGCTGTGTTTC-3'
Protein context (NP_006725.3, residues 66-86): SGKLASPSEV[Val76Ala]QQVAEKQYPP